The following is an entry in ClinVar:

NM_000545.8(HNF1A):c.-181G>A

Gene: HNF1A (HNF1 homeobox A; plus strand). Cytogenetic location: 12q24.31.
Variant type: single nucleotide variant.
Coding change: c.-181G>A on transcript NM_000545.8 (MANE Select); 181 bases upstream of the start codon, G replaced by A.
Molecular consequence: 5 prime UTR variant.
Genome position (GRCh38, 1-based): chr12:120,978,588, G>A. VCF-style: chr12-120978588-G-A. GRCh37 (hg19) VCF-style: chr12-121416391-G-A.
Other names: c.-181G>A (NM_001306179.2, NM_000545.6).
Identifiers: ClinVar variation 1315708 (VCV001315708.4), dbSNP rs980850048, ClinGen allele CA244520195.
Genomic context (GRCh38, chr12:120,978,588, plus strand): 5'-TTGGAGAATTTCCCCAGCTCCAATGTAAACAGAACAGGCAGGGGCCCTGATTCACGGGCC[G>A]CTGGGGCCAGGGTTGGGGGTTGGGGGTGCCCACAGGGCTTGGCTAGTGGGGTTTTGGGGG-3'

ClinVar aggregate classification (germline): Uncertain significance. Review status: criteria provided, single submitter (1 of 4 stars). 2 submissions from 2 submitters: Uncertain significance (1). 1 of the submissions does not count toward it. Last evaluated 2019-04-29.

Conditions:
HNF1A-related disorder. Also called: HNF1A-related condition.

Allele frequency attached by ClinVar (database versions not stated): gnomAD exomes 0.00005 and 0.00007.
gnomAD v4.1: 32 of 658,250 alleles (0.0049%); highest among the groups gnomAD compares: East Asian, 0.038%; no homozygotes.

Submissions (2):

GeneDx
Classification: Uncertain significance. Last evaluated: 2019-04-29. Review status: criteria provided, single submitter. Criteria: GeneDx Variant Classification Process June 2021. Collection method: clinical testing. Allele origin: germline. Affected: yes.
Comment: Nucleotide substitution has no predicted effect on splicing and is not conserved across species; Has not been previously published as pathogenic or benign to our knowledge

PreventionGenetics, part of Exact Sciences
Classification: Likely benign for HNF1A-related condition. Last evaluated: 2022-08-26. Review status: no assertion criteria provided. Collection method: clinical testing. Allele origin: germline. Not counted in ClinVar's aggregate classification.
Comment: This variant is classified as likely benign based on ACMG/AMP sequence variant interpretation guidelines (Richards et al. 2015 PMID: 25741868, with internal and published modifications).